The following is an entry in ClinVar:

NM_000038.6(APC):c.418G>A (p.Glu140Lys)

Gene: APC (APC regulator of Wnt signaling pathway; plus strand). Cytogenetic location: 5q22.2.
Variant type: single nucleotide variant.
Coding change: c.418G>A on transcript NM_000038.6 (MANE Select); coding-DNA position 418, G replaced by A.
Protein change: p.Glu140Lys; replaces glutamic acid 140 with lysine.
Molecular consequence: missense variant. On other transcripts: 5 prime UTR variant (4), non-coding transcript variant (2).
Genome position (GRCh38, 1-based): chr5:112,767,386, G>A. VCF-style: chr5-112767386-G-A. GRCh37 (hg19) VCF-style: chr5-112103083-G-A.
Other names: c.418G>A, p.Glu140Lys (NM_001127510.3, NM_001354895.2, NM_001354896.2 and 16 more transcripts); c.448G>A, p.Glu150Lys (NM_001127511.3, NM_001354897.2, NM_001354902.2 and 1 more transcripts); c.343G>A, p.Glu115Lys (NM_001354898.2, NM_001354904.2, NM_001407451.1); c.241G>A, p.Glu81Lys (NM_001354900.2, NM_001354901.2, NM_001354905.2 and 1 more transcripts); c.-618G>A (NM_001354906.2, NM_001407470.1, NM_001407471.1 and 1 more transcripts); short protein forms E140K, E150K, E81K, E115K.
Identifiers: ClinVar variation 4588642 (VCV004588642.2).

ClinVar aggregate classification (germline): Uncertain significance. Review status: criteria provided, multiple submitters, no conflicts (2 of 4 stars). 2 submissions from 2 submitters: Uncertain significance (2). Last evaluated 2025-12-03.

Conditions:
Familial adenomatous polyposis 1 (FAP1). Also called: POLYPOSIS, ADENOMATOUS INTESTINAL; FAMILIAL ADENOMATOUS POLYPOSIS 1, ATTENUATED. Identifiers: MedGen C2713442, MONDO:0021056, OMIM 175100. Disease mechanism: loss of function.
Hereditary cancer-predisposing syndrome. Also called: Neoplastic Syndromes, Hereditary; Tumor predisposition; Hereditary Cancer Syndrome; Hereditary neoplastic syndrome. Identifiers: Orphanet 140162, MedGen C0027672, MeSH D009386, MONDO:0015356.

Submissions (2):

Labcorp Genetics (formerly Invitae), Labcorp
Classification: Uncertain significance for Familial adenomatous polyposis 1. Last evaluated: 2025-12-03. Review status: criteria provided, single submitter. Criteria: Invitae Variant Classification Sherloc (09022015). Collection method: clinical testing. Allele origin: germline.
Comment: This sequence change replaces glutamic acid, which is acidic and polar, with lysine, which is basic and polar, at codon 140 of the APC protein (p.Glu140Lys). This variant is present in population databases (no rsID available, gnomAD 0.0009%). This variant has not been reported in the literature in individuals affected with APC-related conditions. Invitae Evidence Modeling of protein sequence and biophysical properties (such as structural, functional, and spatial information, amino acid conservation, physicochemical variation, residue mobility, and thermodynamic stability) indicates that this missense variant is not expected to disrupt APC protein function with a negative predictive value of 95%. In summary, the available evidence is currently insufficient to determine the role of this variant in disease. Therefore, it has been classified as a Variant of Uncertain Significance.

Ambry Genetics
Classification: Uncertain significance for Hereditary cancer-predisposing syndrome. Last evaluated: 2025-11-05. Review status: criteria provided, single submitter. Criteria: Ambry Variant Classification Scheme 2023. Collection method: clinical testing. Allele origin: germline.
Comment: The p.E140K variant (also known as c.418G>A), located in coding exon 3 of the APC gene, results from a G to A substitution at nucleotide position 418. The glutamic acid at codon 140 is replaced by lysine, an amino acid with similar properties. This amino acid position is conserved. In addition, in silico predictors for this gene do not accurately predict pathogenicity. Based on the available evidence, the clinical significance of this variant remains unclear.